The following is an entry in ClinVar:

NM_001134363.3(RBM20):c.2550+7A>G

Gene: RBM20 (RNA binding motif protein 20; plus strand). Cytogenetic location: 10q25.2.
Variant type: single nucleotide variant.
Coding change: c.2550+7A>G on transcript NM_001134363.3 (MANE Select); 7 bases into the intron after coding-DNA position 2550, A replaced by G.
Molecular consequence: intron variant.
Genome position (GRCh38, 1-based): chr10:110,812,954, A>G. VCF-style: chr10-110812954-A-G. GRCh37 (hg19) VCF-style: chr10-112572712-A-G.
Other names: c.2550+7A>G (LRG_382t1).
Identifiers: ClinVar variation 509012 (VCV000509012.5), dbSNP rs1554842826, ClinGen allele CA658797541.

ClinVar aggregate classification (germline): Likely benign. Review status: criteria provided, multiple submitters, no conflicts (2 of 4 stars). 2 submissions from 2 submitters: Likely benign (2). Last evaluated 2025-02-17.

Conditions:
Dilated cardiomyopathy 1DD (CMD1DD). Identifiers: Orphanet 154, MedGen C2750995, MONDO:0013168, OMIM 613172.

Allele frequency attached by ClinVar (database versions not stated): gnomAD exomes below 0.00001; TOPMed below 0.00001.
gnomAD v4.1: 1 of 1,442,710 alleles (0.000069%); highest among the groups gnomAD compares: African/African-American, 0.0014%; no homozygotes.

Submissions (2):

Labcorp Genetics (formerly Invitae), Labcorp
Classification: Likely benign for Dilated cardiomyopathy 1DD. Last evaluated: 2025-02-17. Review status: criteria provided, single submitter. Criteria: Invitae Variant Classification Sherloc (09022015). Collection method: clinical testing. Allele origin: germline.

GeneDx
Classification: Likely benign. Last evaluated: 2017-04-17. Review status: criteria provided, single submitter. Criteria: GeneDx Variant Classification (06012015). Collection method: clinical testing. Allele origin: germline. Affected: yes.
Comment: This variant is considered likely benign or benign based on one or more of the following criteria: it is a conservative change, it occurs at a poorly conserved position in the protein, it is predicted to be benign by multiple in silico algorithms, and/or has population frequency not consistent with disease.